The following is an entry in ClinVar:

NM_001367943.1(TCF7L2):c.1222C>T (p.Gln408Ter)

Gene: TCF7L2 (transcription factor 7 like 2; plus strand). Cytogenetic location: 10q25.3.
Variant type: single nucleotide variant.
Coding change: c.1222C>T on transcript NM_001367943.1 (MANE Select); coding-DNA position 1222, C replaced by T.
Protein change: p.Gln408Ter; replaces glutamine 408 with a stop codon.
Molecular consequence: nonsense.
Genome position (GRCh38, 1-based): chr10:113,152,393, C>T. VCF-style: chr10-113152393-C-T. GRCh37 (hg19) VCF-style: chr10-114912152-C-T.
Other names: c.1222C>T, p.Gln408Ter (NM_001146274.2, NM_001198531.2, NM_001363501.2); c.1294C>T, p.Gln432Ter (NM_001146283.2); c.1141C>T, p.Gln381Ter (NM_001146284.2, NM_001198527.2); c.1153C>T, p.Gln385Ter (NM_001146285.2, NM_001146286.2, NM_001198526.2 and 3 more transcripts); c.1168C>T, p.Gln390Ter (NM_001198525.2); c.1051C>T, p.Gln351Ter (NM_001198530.2); c.793C>T, p.Gln265Ter (NM_001349870.2); c.673C>T, p.Gln225Ter (NM_001349871.1); short protein forms Q225*, Q265*, Q351*, Q381*, Q385*, Q390*, Q408*, Q432*.
Identifiers: ClinVar variation 2501976 (VCV002501976.2), dbSNP rs2137179567, ClinGen allele CA378409761.

ClinVar aggregate classification (germline): Likely pathogenic (1 of 4 stars; one submission).

Submission:

GeneDx
Classification: Likely pathogenic. Last evaluated: 2023-05-19. Review status: criteria provided, single submitter. Criteria: GeneDx Variant Classification Process June 2021. Collection method: clinical testing. Allele origin: germline.
Comment: Has not been previously published as pathogenic or benign to our knowledge; Not observed at significant frequency in large population cohorts (gnomAD); Nonsense variant predicted to result in protein truncation or nonsense mediated decay in a gene for which loss of function is a known mechanism of disease